The following is an entry in ClinVar:

ClinVar aggregate classification (germline): Pathogenic (1 of 4 stars; one submission).

Submission:

Quest Diagnostics Nichols Institute San Juan Capistrano
Classification: Pathogenic. Last evaluated: 2021-09-08. Review status: criteria provided, single submitter. Criteria: ACMG/ClinGen CNV Guidelines, 2019. Collection method: clinical testing. Allele origin: unknown.
Comment: The copy number loss of 21q22.11 involves exons 1-4 of SON (OMIM 182465; NM_032195.3) and exons 1-2 of GART (OMIM 602442; NM_001136006.1), and is expected to cause phenotypic and/or developmental abnormalities. Haploinsufficiency of SON is associated with autosomal dominant ZTTK syndrome (OMIM 617140), a severe multisystem developmental disorder characterized by delayed psychomotor development and intellectual disability. Affected individuals have characteristic dysmorphic facial features, hypotonia, poor feeding, poor overall growth, and eye or visual abnormalities. Most patients also have musculoskeletal abnormalities, and some have congenital defects of the heart and urogenital system. The GART gene is not currently associated with an OMIM phenotype.

GRCh37/hg19 21q22.11(chr21:34909697-34931454)x1

Genes: GART (phosphoribosylglycinamide formyltransferase, phosphoribosylglycinamide synthetase, phosphoribosylaminoimidazole synthetase; minus strand), SON (SON DNA and RNA binding protein; plus strand). Cytogenetic location: 21q22.11.
Variant type: copy number loss.
Change: copy number 1 (one copy instead of two) of chr21:34,909,697-34,931,454 (21.8 kb, GRCh37 coordinates, 1-based), cytogenetic band 21q22.11.
Identifiers: ClinVar variation 1807761 (VCV001807761.1).